The following is an entry in ClinVar:

ClinVar aggregate classification (germline): Conflicting classifications of pathogenicity. Review status: criteria provided, conflicting classifications (1 of 4 stars). 2 submissions from 2 submitters: Uncertain significance (1); Likely benign (1). Last evaluated 2023-03-23.

Conditions:
Hereditary cancer-predisposing syndrome. Also called: Hereditary Cancer Syndrome; Tumor predisposition; Hereditary neoplastic syndrome; Neoplastic Syndromes, Hereditary. Identifiers: Orphanet 140162, MedGen C0027672, MeSH D009386, MONDO:0015356.
Hereditary breast ovarian cancer syndrome. Also called: Hereditary breast and/or ovarian cancer syndrome; Hereditary breast and ovarian cancer syndrome; Hereditary breast and ovarian cancer syndrome (HBOC); Breast and ovarian cancer; Hereditary breast and ovarian cancer; BRCA1- and BRCA2-Associated Hereditary Breast and Ovarian Cancer. Identifiers: Orphanet 145, MedGen C0677776, MeSH D061325, MONDO:0003582. Disease mechanism: loss of function.

Submissions (2):

University of Washington Department of Laboratory Medicine, University of Washington
Classification: Likely benign for Hereditary cancer-predisposing syndrome. Last evaluated: 2023-03-23. Review status: criteria provided, single submitter. Criteria: Dines et al. (Genet Med. 2020). Collection method: curation. Allele origin: germline.
Comment: Missense variant in a coldspot region where missense variants are very unlikely to be pathogenic (PMID:31911673).

BRCA1 coldspot (exon 11 using historical exon numbering). Reclassification based on statistical prior probability

Labcorp Genetics (formerly Invitae), Labcorp
Classification: Uncertain significance for Hereditary breast ovarian cancer syndrome. Last evaluated: 2022-05-14. Review status: criteria provided, single submitter. Criteria: Invitae Variant Classification Sherloc (09022015). Collection method: clinical testing. Allele origin: germline.
Comment: This sequence change replaces alanine, which is neutral and non-polar, with glycine, which is neutral and non-polar, at codon 344 of the BRCA1 protein (p.Ala344Gly). This variant is not present in population databases (gnomAD no frequency). This variant has not been reported in the literature in individuals affected with BRCA1-related conditions. ClinVar contains an entry for this variant (Variation ID: 1047210). Advanced modeling of protein sequence and biophysical properties (such as structural, functional, and spatial information, amino acid conservation, physicochemical variation, residue mobility, and thermodynamic stability) performed at Invitae indicates that this missense variant is not expected to disrupt BRCA1 protein function. Algorithms developed to predict the effect of sequence changes on RNA splicing suggest that this variant may create or strengthen a splice site. In summary, the available evidence is currently insufficient to determine the role of this variant in disease. Therefore, it has been classified as a Variant of Uncertain Significance.

NM_007294.4(BRCA1):c.1031C>G (p.Ala344Gly)

Gene: BRCA1 (BRCA1 DNA repair associated; minus strand). Cytogenetic location: 17q21.31.
Variant type: single nucleotide variant.
Coding change: c.1031C>G on transcript NM_007294.4 (MANE Select); coding-DNA position 1031, C replaced by G.
Protein change: p.Ala344Gly; replaces alanine 344 with glycine.
Molecular consequence: missense variant. On other transcripts: intron variant (137).
Genome position (GRCh38, 1-based): chr17:43,094,500, G>C on the plus strand (C>G on the coding strand, the complement: BRCA1 is on the minus strand). VCF-style: chr17-43094500-G-C. GRCh37 (hg19) VCF-style: chr17-41246517-G-C.
Other names: c.784+244C>G (NM_001407992.1, NM_001408400.1, NM_001408392.1 and 13 more transcripts); c.664+244C>G (NM_001408440.1, NM_001408428.1, NM_001408442.1 and 12 more transcripts); c.670+1346C>G (NM_001408418.1, NM_001408423.1, NM_001408420.1 and 2 more transcripts); c.787+244C>G (NM_001407981.1, NM_007298.4, NM_001407978.1 and 19 more transcripts); c.643+244C>G (NM_001408462.1, NM_001408470.1, NM_001408464.1 and 3 more transcripts); c.709+244C>G (NM_001408414.1, NM_001408411.1, NM_001408415.1 and 2 more transcripts); c.577+244C>G (NM_001408514.1, NM_001408485.1, NM_001408483.1 and 9 more transcripts); c.661+244C>G (NM_001408447.1, NM_001408433.1, NM_001408446.1 and 6 more transcripts); and 40 more; short protein forms A344G, A297G, A276G, A302G, A216G, A255G, A256G, A273G.
Identifiers: ClinVar variation 1047210 (VCV001047210.12), dbSNP rs876658636, ClinGen allele CA10599995.